The following is an entry in ClinVar:

NM_003922.4(HERC1):c.5937+5T>C

Gene: HERC1 (HECT and RLD domain containing E3 ubiquitin protein ligase family member 1; minus strand). Cytogenetic location: 15q22.31.
Variant type: single nucleotide variant.
Coding change: c.5937+5T>C on transcript NM_003922.4 (MANE Select); 5 bases into the intron after coding-DNA position 5937, T replaced by C.
Molecular consequence: intron variant.
Genome position (GRCh38, 1-based): chr15:63,690,536, A>G on the plus strand (T>C on the coding strand, the complement: HERC1 is on the minus strand). VCF-style: chr15-63690536-A-G. GRCh37 (hg19) VCF-style: chr15-63982735-A-G.
Identifiers: ClinVar variation 3659372 (VCV003659372.2).

ClinVar aggregate classification (germline): Uncertain significance (1 of 4 stars; one submission).

gnomAD v4.1: 110 of 1,579,742 alleles (0.007%); highest among the groups gnomAD compares: African/African-American, 0.13%; no homozygotes.

Submission:

Labcorp Genetics (formerly Invitae), Labcorp
Classification: Uncertain significance. Last evaluated: 2024-06-11. Review status: criteria provided, single submitter. Criteria: Invitae Variant Classification Sherloc (09022015). Collection method: clinical testing. Allele origin: germline.
Comment: This sequence change falls in intron 32 of the HERC1 gene. It does not directly change the encoded amino acid sequence of the HERC1 protein. It affects a nucleotide within the consensus splice site. This variant is present in population databases (rs377406224, gnomAD 0.1%). This variant has not been reported in the literature in individuals affected with HERC1-related conditions. Variants that disrupt the consensus splice site are a relatively common cause of aberrant splicing (PMID: 17576681, 9536098). Algorithms developed to predict the effect of sequence changes on RNA splicing suggest that this variant is not likely to affect RNA splicing. In summary, the available evidence is currently insufficient to determine the role of this variant in disease. Therefore, it has been classified as a Variant of Uncertain Significance.

Literature cited by the submitters: PubMed 17576681; PubMed 9536098.